The following is an entry in ClinVar:

NM_005619.5(RTN2):c.1033+4G>A

Genes: OPA3-RTN2 (OPA3-RTN2 readthrough; minus strand), RTN2 (reticulon 2; minus strand). Cytogenetic location: 19q13.32.
Variant type: single nucleotide variant.
Coding change: c.1033+4G>A on transcript NM_005619.5 (MANE Select); 4 bases into the intron after coding-DNA position 1033, G replaced by A.
Molecular consequence: intron variant.
Genome position (GRCh38, 1-based): chr19:45,493,156, C>T on the plus strand (G>A on the coding strand, the complement: RTN2 is on the minus strand). VCF-style: chr19-45493156-C-T. GRCh37 (hg19) VCF-style: chr19-45996414-C-T.
Other names: c.814+1010G>A (NM_206900.3); c.13+4G>A (NM_206901.3).
Identifiers: ClinVar variation 2157833 (VCV002157833.4), dbSNP rs2513739803, ClinGen allele CA2535779744.

ClinVar aggregate classification (germline): Uncertain significance (1 of 4 stars; one submission).

Conditions:
Spastic paraplegia. Identifiers: MedGen C0037772, HP:0001258.

Allele frequency attached by ClinVar (database versions not stated): gnomAD exomes below 0.00001.
gnomAD v4.1: 2 of 1,611,408 alleles (0.00012%); highest among the groups gnomAD compares: South Asian, 0.0011%; no homozygotes.

Submission:

Labcorp Genetics (formerly Invitae), Labcorp
Classification: Uncertain significance for Spastic paraplegia. Last evaluated: 2022-11-15. Review status: criteria provided, single submitter. Criteria: Invitae Variant Classification Sherloc (09022015). Collection method: clinical testing. Allele origin: germline.
Comment: In summary, the available evidence is currently insufficient to determine the role of this variant in disease. Therefore, it has been classified as a Variant of Uncertain Significance. Variants that disrupt the consensus splice site are a relatively common cause of aberrant splicing (PMID: 17576681, 9536098). Algorithms developed to predict the effect of sequence changes on RNA splicing suggest that this variant may create or strengthen a splice site. This variant has not been reported in the literature in individuals affected with RTN2-related conditions. This variant is not present in population databases (gnomAD no frequency). This sequence change falls in intron 5 of the RTN2 gene. It does not directly change the encoded amino acid sequence of the RTN2 protein. It affects a nucleotide within the consensus splice site.

Literature cited by the submitters: PubMed 17576681; PubMed 9536098.